The following is an entry in ClinVar:

NM_001378454.1(ALMS1):c.3373G>T (p.Val1125Leu)

Gene: ALMS1 (ALMS1 centrosome and basal body associated protein; plus strand). Cytogenetic location: 2p13.1.
Variant type: single nucleotide variant.
Coding change: c.3373G>T on transcript NM_001378454.1 (MANE Select); coding-DNA position 3373, G replaced by T.
Protein change: p.Val1125Leu; replaces valine 1125 with leucine.
Molecular consequence: missense variant.
Genome position (GRCh38, 1-based): chr2:73,449,900, G>T. VCF-style: chr2-73449900-G-T. GRCh37 (hg19) VCF-style: chr2-73677027-G-T.
Other names: c.3376G>T, p.Val1126Leu (NM_015120.4); short protein forms V1125L, V1126L.
Identifiers: ClinVar variation 1396658 (VCV001396658.4), dbSNP rs1180431442, ClinGen allele CA347275410.

ClinVar aggregate classification (germline): Uncertain significance. Review status: criteria provided, multiple submitters, no conflicts (2 of 4 stars). 2 submissions from 2 submitters: Uncertain significance (2). Last evaluated 2022-03-03.

Conditions:
Alstrom syndrome (ALMS). Identifiers: Orphanet 64, MedGen C0268425, MONDO:0008763, OMIM 203800.

Allele frequency attached by ClinVar (database versions not stated): gnomAD 0.00001; gnomAD exomes 0.00001; TOPMed 0.00001.
gnomAD v4.1: 12 of 1,613,584 alleles (0.00074%); highest among the groups gnomAD compares: African/African-American, 0.0013%; no homozygotes.

Submissions (2):

Labcorp Genetics (formerly Invitae), Labcorp
Classification: Uncertain significance for Alstrom syndrome. Last evaluated: 2022-03-03. Review status: criteria provided, single submitter. Criteria: Invitae Variant Classification Sherloc (09022015). Collection method: clinical testing. Allele origin: germline.
Comment: This sequence change replaces valine, which is neutral and non-polar, with leucine, which is neutral and non-polar, at codon 1126 of the ALMS1 protein (p.Val1126Leu). This variant is not present in population databases (gnomAD no frequency). This variant has not been reported in the literature in individuals affected with ALMS1-related conditions. Experimental studies and prediction algorithms are not available or were not evaluated, and the functional significance of this variant is currently unknown. In summary, the available evidence is currently insufficient to determine the role of this variant in disease. Therefore, it has been classified as a Variant of Uncertain Significance.

Fulgent Genetics
Classification: Uncertain significance for Alstrom syndrome. Last evaluated: 2021-11-08. Review status: criteria provided, single submitter. Criteria: ACMG Guidelines, 2015. Collection method: clinical testing. Allele origin: unknown.